The following is an entry in ClinVar:

NM_001127511.3(APC):c.-156C>A

Gene: APC (APC regulator of Wnt signaling pathway; plus strand). Cytogenetic location: 5q22.2.
Variant type: single nucleotide variant.
Coding change: c.-156C>A on transcript NM_001127511.3; 156 bases upstream of the start codon, C replaced by A.
Molecular consequence: 5 prime UTR variant. On other transcripts: non-coding transcript variant (2).
Genome position (GRCh38, 1-based): chr5:112,707,562, C>A. VCF-style: chr5-112707562-C-A. GRCh37 (hg19) VCF-style: chr5-112043259-C-A.
Other names: c.-130C>A (NM_001407453.1); c.-339C>A (NM_001407456.1, NM_001407460.1, NM_001407469.1 and 3 more transcripts); c.-106C>A (NM_001407457.1, NM_001407458.1, NM_001407448.1 and 1 more transcripts); c.-1374C>A (NM_001407470.1, NM_001407472.1); c.-156C>A (NM_001354897.2, NM_001354902.2, NM_001407446.1).
Identifiers: ClinVar variation 537642 (VCV000537642.7), dbSNP rs1031181133, ClinGen allele CA658796608.

ClinVar aggregate classification (germline): Uncertain significance (1 of 4 stars; one submission).

Conditions:
Familial adenomatous polyposis 1 (FAP1). Also called: FAMILIAL ADENOMATOUS POLYPOSIS 1, ATTENUATED; POLYPOSIS, ADENOMATOUS INTESTINAL. Identifiers: MedGen C2713442, MONDO:0021056, OMIM 175100. Disease mechanism: loss of function.

Submission:

Labcorp Genetics (formerly Invitae), Labcorp
Classification: Uncertain significance for Familial adenomatous polyposis 1. Last evaluated: 2021-09-01. Review status: criteria provided, single submitter. Criteria: Invitae Variant Classification Sherloc (09022015). Collection method: clinical testing. Allele origin: germline.
Comment: This variant occurs in a non-coding region of the APC gene. It does not change the encoded amino acid sequence of the APC protein. The frequency data for this variant in the population databases is considered unreliable, as metrics indicate insufficient coverage at this position in the ExAC database. This variant has not been reported in the literature in individuals affected with APC-related conditions. ClinVar contains an entry for this variant (Variation ID: 537642). Experimental studies and prediction algorithms are not available or were not evaluated, and the functional significance of this variant is currently unknown. In summary, the available evidence is currently insufficient to determine the role of this variant in disease. Therefore, it has been classified as a Variant of Uncertain Significance.